The following is an entry in ClinVar:

NM_205836.3(FBXO38):c.512G>A (p.Arg171His)

Gene: FBXO38 (F-box protein 38; plus strand). Cytogenetic location: 5q32.
Variant type: single nucleotide variant.
Coding change: c.512G>A on transcript NM_205836.3 (MANE Select); coding-DNA position 512, G replaced by A.
Protein change: p.Arg171His; replaces arginine 171 with histidine.
Molecular consequence: missense variant.
Genome position (GRCh38, 1-based): chr5:148,402,433, G>A. VCF-style: chr5-148402433-G-A. GRCh37 (hg19) VCF-style: chr5-147781996-G-A.
Other names: c.512G>A, p.Arg171His (NM_001271723.2, NM_030793.5); short protein forms R171H.
Identifiers: ClinVar variation 2896413 (VCV002896413.3), dbSNP rs2531710164, ClinGen allele CA361655215.

ClinVar aggregate classification (germline): Uncertain significance (1 of 4 stars; one submission).

Conditions:
Distal hereditary motor neuropathy type 2. Identifiers: Orphanet 139525, MedGen C3711384, MeSH C580044, MONDO:0015352.

Submission:

Labcorp Genetics (formerly Invitae), Labcorp
Classification: Uncertain significance for Distal hereditary motor neuropathy type 2. Last evaluated: 2023-03-19. Review status: criteria provided, single submitter. Criteria: Invitae Variant Classification Sherloc (09022015). Collection method: clinical testing. Allele origin: germline.
Comment: In summary, the available evidence is currently insufficient to determine the role of this variant in disease. Therefore, it has been classified as a Variant of Uncertain Significance. This sequence change replaces arginine, which is basic and polar, with histidine, which is basic and polar, at codon 171 of the FBXO38 protein (p.Arg171His). This variant is not present in population databases (gnomAD no frequency). This variant has not been reported in the literature in individuals affected with FBXO38-related conditions. Advanced modeling of protein sequence and biophysical properties (such as structural, functional, and spatial information, amino acid conservation, physicochemical variation, residue mobility, and thermodynamic stability) performed at Invitae indicates that this missense variant is expected to disrupt FBXO38 protein function.